The following is an entry in ClinVar:

ClinVar aggregate classification (germline): Uncertain significance (1 of 4 stars; one submission).

Conditions:
Early Myoclonic Encephalopathy. Identifiers: MedGen C0270855.

Allele frequency attached by ClinVar (database versions not stated): gnomAD exomes below 0.00001.
gnomAD v4.1: 2 of 1,614,170 alleles (0.00012%); highest among the groups gnomAD compares: Non-Finnish European, 0.00017%; no homozygotes.

Submission:

Labcorp Genetics (formerly Invitae), Labcorp
Classification: Uncertain significance for Early Myoclonic Encephalopathy. Last evaluated: 2022-10-03. Review status: criteria provided, single submitter. Criteria: Invitae Variant Classification Sherloc (09022015). Collection method: clinical testing. Allele origin: germline.
Comment: In summary, the available evidence is currently insufficient to determine the role of this variant in disease. Therefore, it has been classified as a Variant of Uncertain Significance. Advanced modeling of protein sequence and biophysical properties (such as structural, functional, and spatial information, amino acid conservation, physicochemical variation, residue mobility, and thermodynamic stability) performed at Invitae indicates that this missense variant is expected to disrupt JMJD1C protein function. This variant has not been reported in the literature in individuals affected with JMJD1C-related conditions. This variant is not present in population databases (gnomAD no frequency). This sequence change replaces leucine, which is neutral and non-polar, with phenylalanine, which is neutral and non-polar, at codon 1227 of the JMJD1C protein (p.Leu1227Phe).

NM_032776.3(JMJD1C):c.3679C>T (p.Leu1227Phe)

Gene: JMJD1C (jumonji domain containing 1C; minus strand). Cytogenetic location: 10q21.3.
Variant type: single nucleotide variant.
Coding change: c.3679C>T on transcript NM_032776.3 (MANE Select); coding-DNA position 3679, C replaced by T.
Protein change: p.Leu1227Phe; replaces leucine 1227 with phenylalanine.
Molecular consequence: missense variant. On other transcripts: non-coding transcript variant (1).
Genome position (GRCh38, 1-based): chr10:63,207,990, G>A on the plus strand (C>T on the coding strand, the complement: JMJD1C is on the minus strand). VCF-style: chr10-63207990-G-A. GRCh37 (hg19) VCF-style: chr10-64967750-G-A.
Other names: c.3133C>T, p.Leu1045Phe (NM_001282948.2, NM_001318154.2); c.2815C>T, p.Leu939Phe (NM_001318153.2); c.3565C>T, p.Leu1189Phe (NM_001322252.2); c.3022C>T, p.Leu1008Phe (NM_001322254.2, NM_001322258.2); short protein forms L1227F, L1045F, L1189F, L1008F, L939F.
Identifiers: ClinVar variation 2112265 (VCV002112265.4), dbSNP rs2492686707, ClinGen allele CA377040626.